The following is an entry in ClinVar:

NM_206933.4(USH2A):c.6889G>T (p.Ala2297Ser)

Gene: USH2A (usherin; minus strand). Cytogenetic location: 1q41.
Variant type: single nucleotide variant.
Coding change: c.6889G>T on transcript NM_206933.4 (MANE Select); coding-DNA position 6889, G replaced by T.
Protein change: p.Ala2297Ser; replaces alanine 2297 with serine.
Molecular consequence: missense variant.
Genome position (GRCh38, 1-based): chr1:215,970,693, C>A on the plus strand (G>T on the coding strand, the complement: USH2A is on the minus strand). VCF-style: chr1-215970693-C-A. GRCh37 (hg19) VCF-style: chr1-216144035-C-A.
Other names: c.6889G>T (NM_206933.2, NM_206933.3); short protein forms A2297S.
Identifiers: ClinVar variation 1006105 (VCV001006105.11), dbSNP rs150634036, ClinGen allele CA1395007.

ClinVar aggregate classification (germline): Uncertain significance. Review status: criteria provided, multiple submitters, no conflicts (2 of 4 stars). 5 submissions from 4 submitters: Uncertain significance (5). Last evaluated 2023-11-19.

Conditions:
Retinitis pigmentosa 39 (RP39). Identifiers: Orphanet 791, MedGen C3151138, MONDO:0013436, OMIM 613809.
Usher syndrome type 2A. Also called: RETINAL DISEASE IN USHER SYNDROME TYPE IIA, MODIFIER OF; USHER SYNDROME, TYPE IIA. Identifiers: Orphanet 231178, Orphanet 886, MedGen C1848634, MONDO:0010169, OMIM 276901.
Inborn genetic diseases. Identifiers: MedGen C0950123, MeSH D030342.

Allele frequency attached by ClinVar (database versions not stated): TOPMed below 0.00001; ExAC 0.00001; gnomAD 0.00001; ESP Exome Variant Server 0.00008.
gnomAD v4.1: 2 of 1,613,578 alleles (0.00012%); highest among the groups gnomAD compares: African/African-American, 0.0027%; no homozygotes.

Submissions (5):

Revvity Omics, Revvity
Classification: Uncertain significance. Last evaluated: 2023-11-19. Review status: criteria provided, single submitter. Criteria: ACMG Guidelines, 2015. Collection method: clinical testing. Allele origin: germline.

Genome-Nilou Lab
Classification: Uncertain significance for Retinitis pigmentosa 39. Last evaluated: 2023-11-04. Review status: criteria provided, single submitter. Criteria: ACMG Guidelines, 2015. Collection method: clinical testing. Allele origin: germline. Affected: no.

Genome-Nilou Lab
Classification: Uncertain significance for Usher syndrome type 2A. Last evaluated: 2023-11-04. Review status: criteria provided, single submitter. Criteria: ACMG Guidelines, 2015. Collection method: clinical testing. Allele origin: germline. Affected: no.

Labcorp Genetics (formerly Invitae), Labcorp
Classification: Uncertain significance. Last evaluated: 2022-03-18. Review status: criteria provided, single submitter. Criteria: Invitae Variant Classification Sherloc (09022015). Collection method: clinical testing. Allele origin: germline.
Comment: This sequence change replaces alanine, which is neutral and non-polar, with serine, which is neutral and polar, at codon 2297 of the USH2A protein (p.Ala2297Ser). This variant is present in population databases (rs150634036, gnomAD 0.01%). This variant has not been reported in the literature in individuals affected with USH2A-related conditions. ClinVar contains an entry for this variant (Variation ID: 1006105). Algorithms developed to predict the effect of missense changes on protein structure and function (SIFT, PolyPhen-2, Align-GVGD) all suggest that this variant is likely to be tolerated. In summary, the available evidence is currently insufficient to determine the role of this variant in disease. Therefore, it has been classified as a Variant of Uncertain Significance.

Ambry Genetics
Classification: Uncertain significance for Inborn genetic diseases. Last evaluated: 2021-12-06. Review status: criteria provided, single submitter. Criteria: Ambry Variant Classification Scheme 2023. Collection method: clinical testing. Allele origin: germline.